The following is an entry in ClinVar:

NM_032888.4(COL27A1):c.1999G>A (p.Gly667Ser)

Gene: COL27A1 (collagen type XXVII alpha 1 chain; plus strand). Cytogenetic location: 9q32.
Variant type: single nucleotide variant.
Coding change: c.1999G>A on transcript NM_032888.4 (MANE Select); coding-DNA position 1999, G replaced by A.
Protein change: p.Gly667Ser; replaces glycine 667 with serine.
Molecular consequence: missense variant.
Genome position (GRCh38, 1-based): chr9:114,183,058, G>A. VCF-style: chr9-114183058-G-A. GRCh37 (hg19) VCF-style: chr9-116945338-G-A.
Other names: short protein forms G667S.
Identifiers: ClinVar variation 2142812 (VCV002142812.1), dbSNP rs752226709, ClinGen allele CA5201562.

ClinVar aggregate classification (germline): Uncertain significance (1 of 4 stars; one submission).

Allele frequency attached by ClinVar (database versions not stated): ExAC 0.00001; gnomAD 0.00001; gnomAD exomes 0.00002; TOPMed 0.00003.
gnomAD v4.1: 32 of 1,613,222 alleles (0.002%); highest among the groups gnomAD compares: Non-Finnish European, 0.0025%; no homozygotes.

Submission:

Labcorp Genetics (formerly Invitae), Labcorp
Classification: Uncertain significance. Last evaluated: 2022-08-23. Review status: criteria provided, single submitter. Criteria: Invitae Variant Classification Sherloc (09022015). Collection method: clinical testing. Allele origin: germline.
Comment: This sequence change replaces glycine, which is neutral and non-polar, with serine, which is neutral and polar, at codon 667 of the COL27A1 protein (p.Gly667Ser). This variant is present in population databases (rs752226709, gnomAD 0.006%). This variant has not been reported in the literature in individuals affected with COL27A1-related conditions. Advanced modeling of protein sequence and biophysical properties (such as structural, functional, and spatial information, amino acid conservation, physicochemical variation, residue mobility, and thermodynamic stability) performed at Invitae indicates that this missense variant is expected to disrupt COL27A1 protein function. In summary, the available evidence is currently insufficient to determine the role of this variant in disease. Therefore, it has been classified as a Variant of Uncertain Significance.